The following is an entry in ClinVar:

ClinVar aggregate classification (germline): Likely benign. Review status: criteria provided, multiple submitters, no conflicts (2 of 4 stars). 2 submissions from 2 submitters: Likely benign (2). Last evaluated 2026-02-19.

Conditions:
KCNJ10-related disorder. Also called: KCNJ10-related disorders; KCNJ10-related condition. Identifiers: MedGen CN239321.
EAST syndrome (SESAMES). Also called: SEIZURES, SENSORINEURAL DEAFNESS, ATAXIA, IMPAIRED INTELLECTUAL DEVELOPMENT, AND ELECTROLYTE IMBALANCE. Identifiers: Orphanet 199343, MedGen C2748572, MONDO:0013005, OMIM 612780.

Allele frequency attached by ClinVar (database versions not stated): gnomAD 0.00001; gnomAD exomes 0.00001; TOPMed 0.00002.
gnomAD v4.1: 4 of 1,614,080 alleles (0.00025%); highest among the groups gnomAD compares: Admixed American, 0.0033%; no homozygotes.

Submissions (2):

PreventionGenetics, part of Exact Sciences
Classification: Likely benign for KCNJ10-related condition. Last evaluated: 2026-02-19. Review status: criteria provided, single submitter. Criteria: ACMG Guidelines, 2015. Collection method: clinical testing. Allele origin: germline.
Comment: This variant is classified as likely benign based on ACMG/AMP sequence variant interpretation guidelines (Richards et al. 2015 PMID: 25741868, with internal and published modifications).

Labcorp Genetics (formerly Invitae), Labcorp
Classification: Likely benign for EAST syndrome. Last evaluated: 2025-09-16. Review status: criteria provided, single submitter. Criteria: Invitae Variant Classification Sherloc (09022015). Collection method: clinical testing. Allele origin: germline.

NM_002241.5(KCNJ10):c.981T>C (p.Phe327=)

Gene: KCNJ10 (potassium inwardly rectifying channel subfamily J member 10; minus strand). Cytogenetic location: 1q23.2.
Variant type: single nucleotide variant.
Coding change: c.981T>C on transcript NM_002241.5 (MANE Select); coding-DNA position 981, T replaced by C.
Protein change: p.Phe327=; no amino-acid change (phenylalanine 327 retained).
Molecular consequence: synonymous variant.
Genome position (GRCh38, 1-based): chr1:160,041,552, A>G on the plus strand (T>C on the coding strand, the complement: KCNJ10 is on the minus strand). VCF-style: chr1-160041552-A-G. GRCh37 (hg19) VCF-style: chr1-160011342-A-G.
Other names: c.981T>C (NM_002241.4).
Identifiers: ClinVar variation 2182383 (VCV002182383.5), dbSNP rs926668743, ClinGen allele CA31470256.
Genomic context (GRCh38, chr1:160,041,552, plus strand): 5'-TACAGTGCTGTCACGGAGGCCACTAGGAGAGGCCACTTTCACAACTTGGTCAAAAAGGCT[A>G]AAGTCAGCTATGTATTTACCACTGGCTGACAGTGAGATGGCAGGTGTGAACTCGTAGCCC-3'
Protein context (NP_002232.2, residues 317-337): LSASGKYIAD[Phe327=]SLFDQVVKVA